The following is an entry in ClinVar:

ClinVar aggregate classification (germline): Benign (1 of 4 stars; one submission).

Conditions:
Wolfram syndrome 1 (WFS1). Identifiers: Orphanet 3463, MedGen C4551693, MONDO:0009101, OMIM 222300.

Allele frequency attached by ClinVar (database versions not stated): gnomAD exomes 0.00001; ExAC 0.00002.
gnomAD v4.1: 9 of 1,613,352 alleles (0.00056%); highest among the groups gnomAD compares: South Asian, 0.0088%; no homozygotes.

Submission:

Clinical Genomics, Uppaluri K&H Personalized Medicine Clinic
Classification: Benign for Wolfram syndrome 1. Review status: criteria provided, single submitter. Criteria: K & H Uppaluri Personalized Medicine Clinic Variant Classification & Assertion Criteria_Updated V.1. Collection method: research. Allele origin: unknown. Inheritance: Autosomal recessive inheritance.
Comment: Potent mutations in WFS1 gene are associated with Wolfram's syndrome, an autosomal recessive condition, which cause diabetes mellitus, diabetes insipidus, deafness and optic atrophy.However no sufficient evidence is found to ascertain the role of this particular variant rs769778558 in Wolfram's syndrome yet.

Literature cited by the submitters: PubMed 17603484; PubMed 20301750; PubMed 18060660; PubMed 12955714; PubMed 33879153; PubMed 20738327.

NM_006005.3(WFS1):c.2001G>A (p.Gln667=)

Gene: WFS1 (wolframin ER transmembrane glycoprotein; plus strand). Cytogenetic location: 4p16.1.
Variant type: single nucleotide variant.
Coding change: c.2001G>A on transcript NM_006005.3 (MANE Select); coding-DNA position 2001, G replaced by A.
Protein change: p.Gln667=; no amino-acid change (glutamine 667 retained).
Molecular consequence: synonymous variant.
Genome position (GRCh38, 1-based): chr4:6,301,796, G>A. VCF-style: chr4-6301796-G-A. GRCh37 (hg19) VCF-style: chr4-6303523-G-A.
Other names: c.2001G>A, p.Gln667= (NM_001145853.1).
Identifiers: ClinVar variation 2429475 (VCV002429475.1), dbSNP rs769778558, ClinGen allele CA2839570.